The following is an entry in ClinVar:

ClinVar aggregate classification (germline): Likely benign (1 of 4 stars; one submission).

Allele frequency attached by ClinVar (database versions not stated): gnomAD exomes 0.00001; ExAC 0.00002.
gnomAD v4.1: 8 of 1,614,006 alleles (0.0005%); highest among the groups gnomAD compares: East Asian, 0.0022%; no homozygotes.

Submission:

GeneDx
Classification: Likely benign. Last evaluated: 2017-02-06. Review status: criteria provided, single submitter. Criteria: GeneDx Variant Classification (06012015). Collection method: clinical testing. Allele origin: germline. Affected: yes.
Comment: This variant is considered likely benign or benign based on one or more of the following criteria: it is a conservative change, it occurs at a poorly conserved position in the protein, it is predicted to be benign by multiple in silico algorithms, and/or has population frequency not consistent with disease.

NM_015386.3(COG4):c.18G>A (p.Ala6=)

Gene: COG4 (component of oligomeric golgi complex 4; minus strand). Cytogenetic location: 16q22.1.
Variant type: single nucleotide variant.
Coding change: c.18G>A on transcript NM_015386.3 (MANE Select); coding-DNA position 18, G replaced by A.
Protein change: p.Ala6=; no amino-acid change (alanine 6 retained).
Molecular consequence: synonymous variant. On other transcripts: 5 prime UTR variant (1), non-coding transcript variant (1).
Genome position (GRCh38, 1-based): chr16:70,523,526, C>T on the plus strand (G>A on the coding strand, the complement: COG4 is on the minus strand). VCF-style: chr16-70523526-C-T. GRCh37 (hg19) VCF-style: chr16-70557429-C-T.
Other names: c.6G>A, p.Ala2= (NM_001195139.2); c.-582G>A (NM_001365426.1).
Identifiers: ClinVar variation 507143 (VCV000507143.1), dbSNP rs764026543, ClinGen allele CA8144860.